The following is an entry in ClinVar:

NM_003244.4(TGIF1):c.16+1566C>T

Gene: TGIF1 (TGFB induced factor homeobox 1; plus strand). Cytogenetic location: 18p11.31.
Variant type: single nucleotide variant.
Coding change: c.16+1566C>T on transcript NM_003244.4 (MANE Select); 1566 bases into the intron after coding-DNA position 16, C replaced by T.
Molecular consequence: intron variant. On other transcripts: 5 prime UTR variant (1).
Genome position (GRCh38, 1-based): chr18:3,452,071, C>T. VCF-style: chr18-3452071-C-T. GRCh37 (hg19) VCF-style: chr18-3452069-C-T.
Other names: c.-356C>T (NM_170695.5); c.-44-4283C>T (NM_174886.3, NM_001278686.3); c.58+4274C>T (NM_173207.4); c.-45+3532C>T (NM_001374396.1); c.25+2415C>T (NM_001278682.2); c.16+1566C>T (NM_173208.3, NM_001278684.2); c.-45+2001C>T (NM_173209.3); c.-45+296C>T (NM_173210.4); and 1 more.
Identifiers: ClinVar variation 3356203 (VCV003356203.1).

ClinVar aggregate classification (germline): Likely benign (0 of 4 stars; one submission).

Conditions:
TGIF1-related disorder. Also called: TGIF1-related condition.

gnomAD v4.1: 194 of 1,613,970 alleles (0.012%); highest among the groups gnomAD compares: Middle Eastern, 0.21%; 1 homozygote.

Submission:

PreventionGenetics, part of Exact Sciences
Classification: Likely benign for TGIF1-related condition. Last evaluated: 2024-03-26. Review status: no assertion criteria provided. Collection method: clinical testing. Allele origin: germline.
Comment: This variant is classified as likely benign based on ACMG/AMP sequence variant interpretation guidelines (Richards et al. 2015 PMID: 25741868, with internal and published modifications).